The following is an entry in ClinVar:

ClinVar aggregate classification (germline): Uncertain significance (1 of 4 stars; one submission).

Allele frequency attached by ClinVar (database versions not stated): TOPMed below 0.00001; gnomAD 0.00001.
gnomAD v4.1: 4 of 1,613,934 alleles (0.00025%); highest among the groups gnomAD compares: East Asian, 0.0067%; no homozygotes.

Submission:

GeneDx
Classification: Uncertain significance. Last evaluated: 2024-08-21. Review status: criteria provided, single submitter. Criteria: GeneDx Variant Classification Process June 2021. Collection method: clinical testing. Allele origin: germline.
Comment: Not observed at significant frequency in large population cohorts (gnomAD); In silico analysis supports that this missense variant has a deleterious effect on protein structure/function; Has not been previously published as pathogenic or benign to our knowledge

NM_001085458.2(CTNND1):c.1079C>T (p.Pro360Leu)

Genes: CTNND1 (catenin delta 1; plus strand), TMX2-CTNND1 (TMX2-CTNND1 readthrough (NMD candidate); plus strand). Cytogenetic location: 11q12.1.
Variant type: single nucleotide variant.
Coding change: c.1079C>T on transcript NM_001085458.2 (MANE Select); coding-DNA position 1079, C replaced by T.
Protein change: p.Pro360Leu; replaces proline 360 with leucine.
Molecular consequence: missense variant. On other transcripts: non-coding transcript variant (1).
Genome position (GRCh38, 1-based): chr11:57,801,855, C>T. VCF-style: chr11-57801855-C-T. GRCh37 (hg19) VCF-style: chr11-57569327-C-T.
Other names: c.776C>T, p.Pro259Leu (NM_001085465.2, NM_001085466.2, NM_001085467.2 and 5 more transcripts); c.917C>T, p.Pro306Leu (NM_001206883.2, NM_001206884.2, NM_001206886.2 and 4 more transcripts); c.1079C>T, p.Pro360Leu (NM_001085459.2, NM_001085460.2, NM_001085461.2 and 3 more transcripts); short protein forms P259L, P306L, P360L.
Identifiers: ClinVar variation 2663359 (VCV002663359.2), dbSNP rs1203192441, ClinGen allele CA380725489.